The following is an entry in ClinVar:

NM_001166412.2(SMOC2):c.1265C>T (p.Ala422Val)

Gene: SMOC2 (SPARC related modular calcium binding 2; plus strand). Cytogenetic location: 6q27.
Variant type: single nucleotide variant.
Coding change: c.1265C>T on transcript NM_001166412.2 (MANE Select); coding-DNA position 1265, C replaced by T.
Protein change: p.Ala422Val; replaces alanine 422 with valine.
Molecular consequence: missense variant.
Genome position (GRCh38, 1-based): chr6:168,653,208, C>T. VCF-style: chr6-168653208-C-T. GRCh37 (hg19) VCF-style: chr6-169053888-C-T.
Other names: c.1298C>T, p.Ala433Val (NM_022138.3); c.1298C>T (NM_022138.2); short protein forms A422V, A433V.
Identifiers: ClinVar variation 2117754 (VCV002117754.5), dbSNP rs73789163, ClinGen allele CA4102473.

ClinVar aggregate classification (germline): Benign. Review status: criteria provided, multiple submitters, no conflicts (2 of 4 stars). 2 submissions from 2 submitters: Benign (2). Last evaluated 2026-06-15.

Conditions:
SMOC2-related disorder. Also called: SMOC2-related condition.

Allele frequency attached by ClinVar (database versions not stated): gnomAD exomes 0.00056; ExAC 0.00191; 1000 Genomes Project 0.00379; 1000 Genomes Project 30x 0.00453; gnomAD 0.00513; TOPMed 0.00588; ESP Exome Variant Server 0.00692.
gnomAD v4.1: 1,644 of 1,613,434 alleles (0.1%); highest among the groups gnomAD compares: African/African-American, 1.8%; 15 homozygotes.

Submissions (2):

PreventionGenetics, part of Exact Sciences
Classification: Benign for SMOC2-related condition. Last evaluated: 2026-06-15. Review status: criteria provided, single submitter. Criteria: ACMG Guidelines, 2015. Collection method: clinical testing. Allele origin: germline.
Comment: This variant is classified as benign based on ACMG/AMP sequence variant interpretation guidelines (Richards et al. 2015 PMID: 25741868, with internal and published modifications).

Labcorp Genetics (formerly Invitae), Labcorp
Classification: Benign. Last evaluated: 2026-01-13. Review status: criteria provided, single submitter. Criteria: Invitae Variant Classification Sherloc (09022015). Collection method: clinical testing. Allele origin: germline.